The following is an entry in ClinVar:

ClinVar aggregate classification (germline): Pathogenic (1 of 4 stars; one submission).

Conditions:
Dyggve-Melchior-Clausen syndrome (DMC). Also called: Dyggve-Melchior-Clausen disease; DMC syndrome. Identifiers: Orphanet 239, MedGen C0265286, MONDO:0009130, OMIM 223800.

Submission:

Centre for Human Genetics
Classification: Pathogenic for Dyggve-Melchior-Clausen syndrome. Last evaluated: 2020-10-01. Review status: criteria provided, single submitter. Criteria: ACMG Guidelines, 2015. Collection method: clinical testing. Allele origin: germline. Affected: yes and no. Observed: 4 variant alleles. Segregation with disease observed.
Comment: Homozygous in two affected siblings and the parents were heterozygous for the variant

NM_001353214.3(DYM):c.1650dup (p.His551fs)

Gene: DYM (dymeclin; minus strand). Cytogenetic location: 18q21.1.
Variant type: Duplication.
Coding change: c.1650dup on transcript NM_001353214.3 (MANE Select); coding-DNA position 1650, one base duplicated (A; older notation c.1650dupA).
Protein change: p.His551fs; shifts the reading frame from histidine 551.
Molecular consequence: frameshift variant.
Genome position (GRCh38, 1-based): chr18:49,163,763, T duplicated on the plus strand (A on the coding strand, the reverse complement: DYM is on the minus strand); the first of 6 consecutive T bases (chr18:49,163,763-49,163,768); duplicating any one gives the same sequence. VCF-style (leftmost placement, unchanged base first): chr18-49163762-G-GT. GRCh37 (hg19) VCF-style: chr18-46690132-G-GT.
Other names: c.1482dup, p.His495fs (NM_001353210.3, NM_001353211.3, NM_001374435.1 and 1 more transcripts); c.1647dup, p.His550fs (NM_001353212.3, NM_001353213.3); c.1650dup, p.His551fs (NM_001353215.3, NM_001374428.1, NM_001374430.1 and 1 more transcripts); c.1485dup, p.His496fs (NM_001353216.3, NM_001374433.1, NM_001374434.1 and 1 more transcripts); c.1644dup, p.His549fs (NM_001374429.1); c.1524dup, p.His509fs (NM_001374432.1); c.1359dup, p.His454fs (NM_001374436.1); c.1302dup, p.His435fs (NM_001374437.1); and 5 more; short protein forms H305fs, H306fs, H361fs, H420fs, H435fs, H454fs, H494fs, H495fs.
Identifiers: ClinVar variation 1048086 (VCV001048086.1), dbSNP rs2087498329, ClinGen allele CA2302087120.